The following is an entry in ClinVar:

ClinVar aggregate classification (germline): Uncertain significance. Review status: criteria provided, multiple submitters, no conflicts (2 of 4 stars). 2 submissions from 2 submitters: Uncertain significance (2). Last evaluated 2022-09-26.

Conditions:
Nephronophthisis 15 (NPHP15). Identifiers: Orphanet 3156, MedGen C3541853, MONDO:0013917, OMIM 614845.

Allele frequency attached by ClinVar (database versions not stated): ExAC 0.00001; gnomAD 0.00001; gnomAD exomes 0.00001 and 0.00005; TOPMed 0.00001.
gnomAD v4.1: 72 of 1,614,064 alleles (0.0045%); highest among the groups gnomAD compares: Non-Finnish European, 0.0058%; no homozygotes.

Submissions (2):

Labcorp Genetics (formerly Invitae), Labcorp
Classification: Uncertain significance for Nephronophthisis 15. Last evaluated: 2022-09-26. Review status: criteria provided, single submitter. Criteria: Invitae Variant Classification Sherloc (09022015). Collection method: clinical testing. Allele origin: germline.
Comment: This sequence change replaces histidine, which is basic and polar, with arginine, which is basic and polar, at codon 141 of the CEP164 protein (p.His141Arg). This variant is present in population databases (rs200045306, gnomAD 0.004%). This variant has not been reported in the literature in individuals affected with CEP164-related conditions. ClinVar contains an entry for this variant (Variation ID: 1487658). Algorithms developed to predict the effect of missense changes on protein structure and function are either unavailable or do not agree on the potential impact of this missense change (SIFT: "Deleterious"; PolyPhen-2: "Possibly Damaging"; Align-GVGD: "Class C0"). In summary, the available evidence is currently insufficient to determine the role of this variant in disease. Therefore, it has been classified as a Variant of Uncertain Significance.

Blueprint Genetics
Classification: Uncertain significance. Last evaluated: 2022-08-19. Review status: criteria provided, single submitter. Criteria: ACMG Guidelines, 2015. Collection method: clinical testing. Allele origin: germline.

NM_014956.5(CEP164):c.422A>G (p.His141Arg)

Gene: CEP164 (centrosomal protein 164; plus strand). Cytogenetic location: 11q23.3.
Variant type: single nucleotide variant.
Coding change: c.422A>G on transcript NM_014956.5 (MANE Select); coding-DNA position 422, A replaced by G.
Protein change: p.His141Arg; replaces histidine 141 with arginine.
Molecular consequence: missense variant.
Genome position (GRCh38, 1-based): chr11:117,361,863, A>G. VCF-style: chr11-117361863-A-G. GRCh37 (hg19) VCF-style: chr11-117232579-A-G.
Other names: c.422A>G, p.His141Arg (NM_001271933.2); short protein forms H141R.
Identifiers: ClinVar variation 1487658 (VCV001487658.6), dbSNP rs200045306, ClinGen allele CA6294478.